The following is an entry in ClinVar:

NM_001145358.2(SIN3A):c.1885A>G (p.Thr629Ala)

Gene: SIN3A (SIN3 transcription regulator family member A; minus strand). Cytogenetic location: 15q24.2.
Variant type: single nucleotide variant.
Coding change: c.1885A>G on transcript NM_001145358.2 (MANE Select); coding-DNA position 1885, A replaced by G.
Protein change: p.Thr629Ala; replaces threonine 629 with alanine.
Molecular consequence: missense variant.
Genome position (GRCh38, 1-based): chr15:75,396,466, T>C on the plus strand (A>G on the coding strand, the complement: SIN3A is on the minus strand). VCF-style: chr15-75396466-T-C. GRCh37 (hg19) VCF-style: chr15-75688807-T-C.
Other names: c.1885A>G, p.Thr629Ala (NM_001145357.2, NM_015477.3); short protein forms T629A.
Identifiers: ClinVar variation 1879300 (VCV001879300.29), dbSNP rs2542611773, ClinGen allele CA393495536.

ClinVar aggregate classification (germline): Likely pathogenic (1 of 4 stars; one submission).

Submission:

CeGaT Center for Human Genetics Tuebingen
Classification: Likely pathogenic. Last evaluated: 2022-11-01. Review status: criteria provided, single submitter. Criteria: CeGaT Center For Human Genetics Tuebingen Variant Classification Criteria Version 2. Collection method: clinical testing. Allele origin: germline. Affected: yes. Observed: 1 variant allele.
Comment: SIN3A: PM2, PS2:Moderate, PP2, PP4